The following is an entry in ClinVar:

ClinVar aggregate classification (germline): Uncertain significance (1 of 4 stars; one submission).

Conditions:
CACNA1F-related disorder. Also called: CACNA1F-related condition.

gnomAD v4.1: 6 of 1,209,145 alleles (0.0005%); highest among the groups gnomAD compares: East Asian, 0.0089%; no homozygotes.

Submission:

PreventionGenetics, part of Exact Sciences
Classification: Uncertain significance for CACNA1F-related condition. Last evaluated: 2025-06-03. Review status: criteria provided, single submitter. Criteria: ACMG Guidelines, 2015. Collection method: clinical testing. Allele origin: germline.
Comment: The CACNA1F c.857C>T variant is predicted to result in the amino acid substitution p.Ser286Leu. To our knowledge, this variant has not been reported in the literature. This variant is reported in 0.015% of alleles in individuals of East Asian descent in gnomAD. At this time, the clinical significance of this variant is uncertain due to the absence of conclusive functional and genetic evidence.

NM_001256789.3(CACNA1F):c.857C>T (p.Ser286Leu)

Gene: CACNA1F (calcium voltage-gated channel subunit alpha1 F; minus strand). Cytogenetic location: Xp11.23.
Variant type: single nucleotide variant.
Coding change: c.857C>T on transcript NM_001256789.3 (MANE Select); coding-DNA position 857, C replaced by T.
Protein change: p.Ser286Leu; replaces serine 286 with leucine.
Molecular consequence: missense variant.
Genome position (GRCh38, 1-based): chrX:49,228,408, G>A on the plus strand (C>T on the coding strand, the complement: CACNA1F is on the minus strand). VCF-style: chrX-49228408-G-A. GRCh37 (hg19) VCF-style: chrX-49084870-G-A.
Other names: c.662C>T, p.Ser221Leu (NM_001256790.3); c.857C>T, p.Ser286Leu (NM_005183.4); short protein forms S221L, S286L.
Identifiers: ClinVar variation 4990427 (VCV004990427.1).